The following is an entry in ClinVar:

ClinVar aggregate classification (germline): Uncertain significance (1 of 4 stars; one submission).

Conditions:
Familial cancer of breast. Also called: Hereditary breast cancer; hereditary breast carcinoma; BREAST CANCER, FAMILIAL. Identifiers: Orphanet 227535, MedGen C0346153, MONDO:0016419, OMIM 114480. Disease mechanism: loss of function.
Fanconi anemia complementation group J. Also called: BRIP1-Related Fanconi Anemia. Identifiers: Orphanet 84, MedGen C1836860, MONDO:0012187, OMIM 609054.

Submission:

Labcorp Genetics (formerly Invitae), Labcorp
Classification: Uncertain significance for Familial cancer of breast; Fanconi anemia complementation group J. Last evaluated: 2019-04-07. Review status: criteria provided, single submitter. Criteria: Invitae Variant Classification Sherloc (09022015). Collection method: clinical testing. Allele origin: germline.
Comment: This variant has not been reported in the literature in individuals with BRIP1-related conditions. In summary, the available evidence is currently insufficient to determine the role of this variant in disease. Therefore, it has been classified as a Variant of Uncertain Significance. Algorithms developed to predict the effect of missense changes on protein structure and function are either unavailable or do not agree on the potential impact of this missense change (SIFT: "Tolerated"; PolyPhen-2: "Probably Damaging"; Align-GVGD: "Class C0"). This variant is not present in population databases (ExAC no frequency). This sequence change replaces glutamine with proline at codon 143 of the BRIP1 protein (p.Gln143Pro). The glutamine residue is moderately conserved and there is a moderate physicochemical difference between glutamine and proline.

NM_032043.3(BRIP1):c.428A>C (p.Gln143Pro)

Gene: BRIP1 (BRCA1 interacting DNA helicase 1; minus strand). Cytogenetic location: 17q23.2.
Variant type: single nucleotide variant.
Coding change: c.428A>C on transcript NM_032043.3 (MANE Select); coding-DNA position 428, A replaced by C.
Protein change: p.Gln143Pro; replaces glutamine 143 with proline.
Molecular consequence: missense variant.
Genome position (GRCh38, 1-based): chr17:61,849,208, T>G on the plus strand (A>C on the coding strand, the complement: BRIP1 is on the minus strand). VCF-style: chr17-61849208-T-G. GRCh37 (hg19) VCF-style: chr17-59926569-T-G.
Other names: short protein forms Q143P.
Identifiers: ClinVar variation 949298 (VCV000949298.10), dbSNP rs1603362656, ClinGen allele CA400484517.